The following is an entry in ClinVar:

ClinVar aggregate classification (germline): Uncertain significance. Review status: criteria provided, multiple submitters, no conflicts (2 of 4 stars). 5 submissions from 5 submitters: Uncertain significance (5). Last evaluated 2026-08-13.

Conditions:
Inborn genetic diseases. Identifiers: MedGen C0950123, MeSH D030342.
Mitochondrial complex V (ATP synthase) deficiency, nuclear type 2. Also called: ENCEPHALOCARDIOMYOPATHY, MITOCHONDRIAL, NEONATAL, DUE TO ATP SYNTHASE DEFICIENCY; Nuclear-Encoded ATPase Deficiency, TMEM70-Related; MITOCHONDRIAL COMPLEX V (ATP SYNTHASE) DEFICIENCY, TMEM70 TYPE. Identifiers: Orphanet 1194, MedGen C3279699, MONDO:0013546, OMIM 614052.

Allele frequency attached by ClinVar (database versions not stated): ESP Exome Variant Server 0.00031; TOPMed 0.00009; ExAC 0.00010; gnomAD 0.00011; gnomAD exomes 0.00009.

Submissions (5):

GeneDx
Classification: Uncertain significance. Last evaluated: 2026-08-13. Review status: criteria provided, single submitter. Criteria: GeneDx Variant Classification Process June 2021. Collection method: clinical testing. Allele origin: germline.
Comment: In silico analysis suggests that this missense variant does not alter protein structure/function; Has not been previously published as pathogenic or benign to our knowledge

Labcorp Genetics (formerly Invitae), Labcorp
Classification: Uncertain significance for Mitochondrial complex V (ATP synthase) deficiency, nuclear type 2. Last evaluated: 2025-01-02. Review status: criteria provided, single submitter. Criteria: Invitae Variant Classification Sherloc (09022015). Collection method: clinical testing. Allele origin: germline.
Comment: This sequence change replaces serine, which is neutral and polar, with asparagine, which is neutral and polar, at codon 43 of the TMEM70 protein (p.Ser43Asn). This variant is present in population databases (rs199815125, gnomAD 0.02%). This variant has not been reported in the literature in individuals affected with TMEM70-related conditions. ClinVar contains an entry for this variant (Variation ID: 363689). An algorithm developed to predict the effect of missense changes on protein structure and function (PolyPhen-2) suggests that this variant¬†is likely to be tolerated. In summary, the available evidence is currently insufficient to determine the role of this variant in disease. Therefore, it has been classified as a Variant of Uncertain Significance.

Ambry Genetics
Classification: Uncertain significance for Inborn genetic diseases. Last evaluated: 2021-06-07. Review status: criteria provided, single submitter. Criteria: Ambry Variant Classification Scheme 2023. Collection method: clinical testing. Allele origin: germline.

Revvity Omics, Revvity
Classification: Uncertain significance for Mitochondrial complex V (ATP synthase) deficiency, nuclear type 2. Last evaluated: 2019-04-03. Review status: criteria provided, single submitter. Criteria: ACMG Guidelines, 2015. Collection method: clinical testing. Allele origin: germline.

Illumina Laboratory Services, Illumina
Classification: Uncertain significance for Mitochondrial complex V (ATP synthase) deficiency, nuclear type 2. Last evaluated: 2018-01-12. Review status: criteria provided, single submitter. Criteria: ICSL Variant Classification Criteria 13 December 2019. Collection method: clinical testing. Allele origin: germline.

NM_017866.6(TMEM70):c.128G>A (p.Ser43Asn)

Gene: TMEM70 (transmembrane protein 70; plus strand). Cytogenetic location: 8q21.11.
Variant type: single nucleotide variant.
Coding change: c.128G>A on transcript NM_017866.6 (MANE Select); coding-DNA position 128, G replaced by A.
Protein change: p.Ser43Asn; replaces serine 43 with asparagine.
Molecular consequence: missense variant. On other transcripts: non-coding transcript variant (1).
Genome position (GRCh38, 1-based): chr8:73,976,409, G>A. VCF-style: chr8-73976409-G-A. GRCh37 (hg19) VCF-style: chr8-74888644-G-A.
Other names: c.128G>A, p.Ser43Asn (NM_001040613.3); short protein forms S43N.
Identifiers: ClinVar variation 363689 (VCV000363689.15), dbSNP rs199815125, ClinGen allele CA4783957.